The following is an entry in ClinVar:

ClinVar aggregate classification (germline): Uncertain significance. Review status: criteria provided, multiple submitters, no conflicts (2 of 4 stars). 3 submissions from 3 submitters: Uncertain significance (3). Last evaluated 2026-03-12.

Conditions:
Renal tubular acidosis, distal, 3, with or without sensorineural hearing loss (DRTA3). Identifiers: MedGen C5399980, MONDO:0011268, OMIM 602722.

gnomAD v4.1: 14 of 1,613,898 alleles (0.00087%); highest among the groups gnomAD compares: African/African-American, 0.012%; no homozygotes.

Submissions (3):

Clinical Genomics Laboratory, Washington University in St. Louis
Classification: Uncertain significance for Renal tubular acidosis, distal, 3, with or without sensorineural hearing loss. Last evaluated: 2026-03-12. Review status: criteria provided, single submitter. Criteria: ACMG Guidelines, 2015. Collection method: clinical testing. Allele origin: germline.
Comment: The ATP6V0A4 c.1327A>t (p.Asn443Tyr) variant, to our knowledge, has not been reported in the medical literature. This variant is only observed in 14/1,613,8998 alleles in the general population (gnomAD v4.1.0), indicating it is not a common variant. Computational predictors indicate that the variant is damaging, evidence that correlates with impact to ATP6V0A4 function. This variant has been reported in the ClinVar database as a germline variant of uncertain significance by two submitters. Due to limited information, and based on ACMG/AMP guidelines for variant interpretation (Richards S et al., PMID: 25741868), the clinical significance of this variant is uncertain at this time.

Fulgent Genetics
Classification: Uncertain significance for Renal tubular acidosis, distal, 3, with or without sensorineural hearing loss. Last evaluated: 2024-06-20. Review status: criteria provided, single submitter. Criteria: ACMG Guidelines, 2015. Collection method: clinical testing. Allele origin: germline.

GeneDx
Classification: Uncertain significance. Last evaluated: 2024-06-20. Review status: criteria provided, single submitter. Criteria: GeneDx Variant Classification Process June 2021. Collection method: clinical testing. Allele origin: germline. Affected: yes.
Comment: Not observed at significant frequency in large population cohorts (gnomAD); In silico analysis supports that this missense variant has a deleterious effect on protein structure/function; Has not been previously published as pathogenic or benign to our knowledge; In silico analysis is inconclusive as to whether the variant alters gene splicing. In the absence of RNA/functional studies, the actual effect of this sequence change is unknown.

NM_020632.3(ATP6V0A4):c.1327A>T (p.Asn443Tyr)

Gene: ATP6V0A4 (ATPase H+ transporting V0 subunit a4; minus strand). Cytogenetic location: 7q34.
Variant type: single nucleotide variant.
Coding change: c.1327A>T on transcript NM_020632.3 (MANE Select); coding-DNA position 1327, A replaced by T.
Protein change: p.Asn443Tyr; replaces asparagine 443 with tyrosine.
Molecular consequence: missense variant.
Genome position (GRCh38, 1-based): chr7:138,745,274, T>A on the plus strand (A>T on the coding strand, the complement: ATP6V0A4 is on the minus strand). VCF-style: chr7-138745274-T-A. GRCh37 (hg19) VCF-style: chr7-138430019-T-A.
Other names: c.1327A>T, p.Asn443Tyr (NM_130840.3, NM_130841.3); short protein forms N443Y.
Identifiers: ClinVar variation 3391785 (VCV003391785.3).
Genomic context (GRCh38, chr7:138,745,274, plus strand): 5'-CCGTGTAGATGGAGAAGATGCCCATAAGTAGGATCAGATAGCGCCCGTGGAAGAAGGTGT[T>A]CCAAATCTGGCCTCAGAGAGACAGAGAGGATGATTGTCAGTGGGCTCTGAAGCAGACCCC-3'
Protein context (NP_065683.2, residues 433-453): LSQKTDNEIW[Asn443Tyr]TFFHGRYLIL